The following is an entry in ClinVar:

NM_080425.4(GNAS):c.703GAC[1] (p.Asp236del)

Gene: GNAS (GNAS complex locus; plus strand). Cytogenetic location: 20q13.32.
Variant type: Microsatellite.
Coding change: c.703GAC[1] on transcript NM_080425.4 (MANE Plus Clinical); one copy of the 3-base unit GAC starting at c.703; the reference has two copies in a row; one copy, 3 bases deleted.
Protein change: p.Asp236del; deletes aspartic acid 236.
Molecular consequence: inframe deletion. On other transcripts: intron variant (3).
Genome position (GRCh38, 1-based): chr20:58,853,971-58,853,973, GAC deleted; deleting any 3 consecutive bases within chr20:58,853,968-58,853,973 gives the same sequence; the position shown is the placement nearest the transcript's 3' end. VCF-style (leftmost placement, unchanged base first): chr20-58853967-GGAC-G. GRCh37 (hg19) VCF-style: chr20-57429022-GGAC-G.
Other names: c.516GAC[1], p.Thr174del (NM_001077490.3, NM_001309883.1); c.703GAC[1], p.Asp236del (NM_001410913.1); c.*42+13085_*42+13087del (NM_016592.5); c.43+13085_43+13087del (NM_001410912.1); c.-39+12096_-39+12098del (NM_001309861.2); short protein forms D236del, T174del.
Identifiers: ClinVar variation 2634312 (VCV002634312.2), dbSNP rs776463826, ClinGen allele CA9926521.

ClinVar aggregate classification (germline): Uncertain significance (0 of 4 stars; one submission).

Conditions:
GNAS-related disorder. Identifiers: MedGen CN380105.

Submission:

PreventionGenetics, part of Exact Sciences
Classification: Uncertain significance for GNAS-related condition. Last evaluated: 2024-03-11. Review status: no assertion criteria provided. Collection method: clinical testing. Allele origin: germline.
Comment: The GNAS c.706_708delGAC variant is predicted to result in an in-frame deletion (p.Asp236del). To our knowledge, this variant has not been reported in the literature. This variant is reported in 0.0032% of alleles in individuals of European (Non-Finnish) descent in gnomAD. At this time, the clinical significance of this variant is uncertain due to the absence of conclusive functional and genetic evidence.